The following is an entry in ClinVar:

NM_003072.5(SMARCA4):c.4559G>T (p.Arg1520Leu)

Gene: SMARCA4 (SWI/SNF related BAF chromatin remodeling complex subunit ATPase 4; plus strand). Cytogenetic location: 19p13.2.
Variant type: single nucleotide variant.
Coding change: c.4559G>T on transcript NM_003072.5 (MANE Select); coding-DNA position 4559, G replaced by T.
Protein change: p.Arg1520Leu; replaces arginine 1520 with leucine.
Molecular consequence: missense variant. On other transcripts: non-coding transcript variant (1).
Genome position (GRCh38, 1-based): chr19:11,058,813, G>T. VCF-style: chr19-11058813-G-T. GRCh37 (hg19) VCF-style: chr19-11169489-G-T.
Other names: c.4559G>T, p.Arg1520Leu (NM_001128844.3); c.4469G>T, p.Arg1490Leu (NM_001128845.2); c.4466G>T, p.Arg1489Leu (NM_001128846.2); c.4460G>T, p.Arg1487Leu (NM_001128847.4, NM_001374457.1); c.4457G>T, p.Arg1486Leu (NM_001128848.2); c.4655G>T, p.Arg1552Leu (NM_001128849.3, NM_001387283.1); c.4556G>T, p.Arg1519Leu (NM_001411150.1); short protein forms R1520L, R1489L, R1490L, R1519L, R1552L, R1486L, R1487L.
Identifiers: ClinVar variation 4170152 (VCV004170152.1).

ClinVar aggregate classification (germline): Uncertain significance (1 of 4 stars; one submission).

Conditions:
Hereditary cancer-predisposing syndrome. Also called: Neoplastic Syndromes, Hereditary; Tumor predisposition; Hereditary Cancer Syndrome; Hereditary neoplastic syndrome. Identifiers: Orphanet 140162, MedGen C0027672, MeSH D009386, MONDO:0015356.

Submission:

Ambry Genetics
Classification: Uncertain significance for Hereditary cancer-predisposing syndrome. Last evaluated: 2025-07-23. Review status: criteria provided, single submitter. Criteria: Ambry Variant Classification Scheme 2023. Collection method: clinical testing. Allele origin: germline.
Comment: The p.R1552L variant (also known as c.4655G>T), located in coding exon 32 of the SMARCA4 gene, results from a G to T substitution at nucleotide position 4655. The arginine at codon 1552 is replaced by leucine, an amino acid with dissimilar properties. This amino acid position is highly conserved in available vertebrate species. In addition, the in silico prediction for this alteration is inconclusive. Based on the available evidence, the clinical significance of this variant remains unclear.